The following is an entry in ClinVar:

ClinVar aggregate classification (germline): Likely benign. Review status: criteria provided, multiple submitters, no conflicts (2 of 4 stars). 2 submissions from 2 submitters: Likely benign (2). Last evaluated 2026-06-01.

Conditions:
TGM3-related disorder. Also called: TGM3-related condition.

gnomAD v4.1: 41 of 1,613,944 alleles (0.0025%); highest among the groups gnomAD compares: African/African-American, 0.012%; no homozygotes.

Submissions (2):

CeGaT Center for Human Genetics Tuebingen
Classification: Likely benign. Last evaluated: 2026-06-01. Review status: criteria provided, single submitter. Criteria: CeGaT Center For Human Genetics Tuebingen Variant Classification Criteria Version 2. Collection method: clinical testing. Allele origin: germline. Affected: yes. Observed: 1 variant allele.
Comment: TGM3: BP4, BP7

PreventionGenetics, part of Exact Sciences
Classification: Likely benign for TGM3-related condition. Last evaluated: 2025-05-06. Review status: criteria provided, single submitter. Criteria: ACMG Guidelines, 2015. Collection method: clinical testing. Allele origin: germline.
Comment: This variant is classified as likely benign based on ACMG/AMP sequence variant interpretation guidelines (Richards et al. 2015 PMID: 25741868, with internal and published modifications).

NM_003245.4(TGM3):c.726C>T (p.Thr242=)

Gene: TGM3 (transglutaminase 3; plus strand). Cytogenetic location: 20p13.
Variant type: single nucleotide variant.
Coding change: c.726C>T on transcript NM_003245.4 (MANE Select); coding-DNA position 726, C replaced by T.
Protein change: p.Thr242=; no amino-acid change (threonine 242 retained).
Molecular consequence: synonymous variant.
Genome position (GRCh38, 1-based): chr20:2,317,124, C>T. VCF-style: chr20-2317124-C-T. GRCh37 (hg19) VCF-style: chr20-2297770-C-T.
Other names: c.726C>T (NM_003245.3).
Identifiers: ClinVar variation 4873684 (VCV004873684.3).
Genomic context (GRCh38, chr20:2,317,124, plus strand): 5'-CCAGATCAATAGCAATGATGACAATGGTGTGCTTGCTGGGAATTGGAGCGGCACTTACAC[C>T]GGTGGCCGGGACCCAAGGAGCTGGAACGGCAGCGTGGAGATCCTCAAAAATTGGAAAAAA-3'
Protein context (NP_003236.3, residues 232-252): VLAGNWSGTY[Thr242=]GGRDPRSWNG